The following is an entry in ClinVar:

NM_000238.4(KCNH2):c.1447G>A (p.Val483Ile)

Gene: KCNH2 (potassium voltage-gated channel subfamily H member 2; minus strand). Cytogenetic location: 7q36.1.
Variant type: single nucleotide variant.
Coding change: c.1447G>A on transcript NM_000238.4 (MANE Select); coding-DNA position 1447, G replaced by A.
Protein change: p.Val483Ile; replaces valine 483 with isoleucine.
Molecular consequence: missense variant.
Genome position (GRCh38, 1-based): chr7:150,952,535, C>T on the plus strand (G>A on the coding strand, the complement: KCNH2 is on the minus strand). VCF-style: chr7-150952535-C-T. GRCh37 (hg19) VCF-style: chr7-150649623-C-T.
Other names: c.427G>A, p.Val143Ile (NM_001204798.2, NM_172057.3); c.1159G>A, p.Val387Ile (NM_001406753.1, NM_001406756.1); c.1270G>A, p.Val424Ile (NM_001406755.1); c.1147G>A, p.Val383Ile (NM_001406757.1); c.1447G>A, p.Val483Ile (NM_172056.3); c.1447G>A (NM_000238.2); short protein forms V483I, V143I, V387I, V424I, V383I.
Identifiers: ClinVar variation 858924 (VCV000858924.23), dbSNP rs755834128, ClinGen allele CA028031.

ClinVar aggregate classification (germline): Uncertain significance. Review status: criteria provided, multiple submitters, no conflicts (2 of 4 stars). 5 submissions from 5 submitters: Uncertain significance (5). Last evaluated 2026-02-03.

Conditions:
Long QT syndrome (LQTS). Identifiers: MedGen C0023976, MeSH D008133, MONDO:0002442. Disease mechanism: loss of function. Inheritance: Various modes of inheritance.
Cardiovascular phenotype. Identifiers: MedGen CN230736.
Cardiac arrhythmia. Also called: Arrhythmia; Cardiac rhythm disease. Identifiers: MedGen C0003811, MONDO:0007263, HP:0011675.

Allele frequency attached by ClinVar (database versions not stated): ExAC 0.00001; gnomAD 0.00001; TOPMed 0.00002; gnomAD exomes 0.00003 and 0.00005.
gnomAD v4.1: 78 of 1,614,072 alleles (0.0048%); highest among the groups gnomAD compares: Non-Finnish European, 0.0065%; no homozygotes.

Submissions (5):

Labcorp Genetics (formerly Invitae), Labcorp
Classification: Uncertain significance for Long QT syndrome. Last evaluated: 2026-02-03. Review status: criteria provided, single submitter. Criteria: Invitae Variant Classification Sherloc (09022015). Collection method: clinical testing. Allele origin: germline.
Comment: This sequence change replaces valine, which is neutral and non-polar, with isoleucine, which is neutral and non-polar, at codon 483 of the KCNH2 protein (p.Val483Ile). This variant is present in population databases (rs755834128, gnomAD 0.005%). This missense change has been observed in individual(s) with sudden infant death syndrome (PMID: 31522018, 32145446). This variant is also known as 427G>A V143I. ClinVar contains an entry for this variant (Variation ID: 858924). An algorithm developed to predict the effect of missense changes on protein structure and function (PolyPhen-2) suggests that this variant is likely to be disruptive. In summary, the available evidence is currently insufficient to determine the role of this variant in disease. Therefore, it has been classified as a Variant of Uncertain Significance.

Color Diagnostics, LLC DBA Color Health
Classification: Uncertain significance for Cardiac arrhythmia. Last evaluated: 2025-08-25. Review status: criteria provided, single submitter. Criteria: ACMG Guidelines, 2015. Collection method: clinical testing. Allele origin: germline.
Comment: This missense variant replaces valine with isoleucine at codon 483 of the KCNH2 protein. Computational prediction suggests that this variant may have a deleterious impact on protein structure and function. To our knowledge, functional studies have not been reported for this variant. This variant has been reported in an individual affected with atrial fibrillation and an individual affected with sudden infant death in the same family (PMID: 31522018). This variant has been identified in 7/251452 chromosomes in the general population by the Genome Aggregation Database (gnomAD). The available evidence is insufficient to determine the role of this variant in disease conclusively. Therefore, this variant is classified as a Variant of Uncertain Significance.

All of Us Research Program, National Institutes of Health
Classification: Uncertain significance for Long QT syndrome. Last evaluated: 2024-08-06. Review status: criteria provided, single submitter. Criteria: ACMG Guidelines, 2015. Collection method: clinical testing. Allele origin: germline. Inheritance: Autosomal dominant inheritance. Observed: 7 variant alleles, 7 heterozygotes.
Comment: This missense variant replaces valine with isoleucine at codon 483 of the KCNH2 protein. Computational prediction suggests that this variant may have a deleterious impact on protein structure and function (internally defined REVEL score threshold >= 0.7, PMID: 27666373). To our knowledge, functional studies have not been reported for this variant. This variant has been reported in one family, including an individual affected with atrial fibrillation as well as a related individual affected with sudden infant death (PMID: 31522018). This variant has been identified in 7/251452 chromosomes in the general population by the Genome Aggregation Database (gnomAD). The available evidence is insufficient to determine the role of this variant in disease conclusively. Therefore, this variant is classified as a Variant of Uncertain Significance.

This study involves interpretation of variants in research participants for the purpose of population health screening. Participant phenotype was not available at the time of variant classification. Additional details can be found in publication PMID: 35346344, PMCID: PMC8962531

GeneDx
Classification: Uncertain significance. Last evaluated: 2023-12-10. Review status: criteria provided, single submitter. Criteria: GeneDx Variant Classification Process June 2021. Collection method: clinical testing. Allele origin: germline. Affected: yes.
Comment: Reported as p.(V143I) using an alternate transcript of the gene in an individual with a history of sudden infant death; however, no further clinical information was provided (PMID: 32145446); Reported in the heterozygous state along with a homozygous polymorphism in the KCNH2 gene in several affected and unaffected individuals from a family affected by sudden infant death, stillbirth, and paroxysmal atrial fibrillation (PMID: 31522018); In silico analysis supports that this missense variant does not alter protein structure/function; In silico analysis suggests this variant may impact gene splicing. In the absence of RNA/functional studies, the actual effect of this sequence change is unknown.; This variant is associated with the following publications: (PMID: 31522018, 32145446)

Ambry Genetics
Classification: Uncertain significance for Cardiovascular phenotype. Last evaluated: 2023-02-06. Review status: criteria provided, single submitter. Criteria: Ambry Variant Classification Scheme 2023. Collection method: clinical testing. Allele origin: germline.
Comment: The p.V483I variant (also known as c.1447G>A), located in coding exon 6 of the KCNH2 gene, results from a G to A substitution at nucleotide position 1447. The valine at codon 483 is replaced by isoleucine, an amino acid with highly similar properties. This variant (also referred to as p.V143I, c.427G>A) has been detected in two sudden infant death (SIDS) cases (Santori M et al. Forensic Sci Int Genet, 2019 Nov;43:102159; Liebrechts-Akkerman G et al. Forensic Sci Int Genet, 2020 May;46:102266). A relative of one SIDS case also with this variant had atrial fibrillation, syncope, and left ventricular dilation, while other relatives with this variant were reportedly unaffected (Santori M et al. Forensic Sci Int Genet, 2019 Nov;43:102159). This variant has also been detected in a cohort not selected for the presence of arrhythmia phenotypes; however, cardiovascular details were limited (Maxwell KN et al. Am J Hum Genet, 2016 May;98:801-817). This amino acid position is highly conserved in available vertebrate species. In addition, this alteration is predicted to be deleterious by in silico analysis. Since supporting evidence is limited at this time, the clinical significance of this alteration remains unclear.

Literature cited by the submitters: PubMed 31522018 (cited by 4 submitters); PubMed 32145446 (cited by Labcorp Genetics (formerly Invitae), Labcorp and Ambry Genetics); PubMed 27153395 (cited by Ambry Genetics).